The following is an entry in ClinVar:

NM_006567.5(FARS2):c.1084G>T (p.Ala362Ser)

Gene: FARS2 (phenylalanyl-tRNA synthetase 2, mitochondrial; plus strand). Cytogenetic location: 6p25.1.
Variant type: single nucleotide variant.
Coding change: c.1084G>T on transcript NM_006567.5 (MANE Select); coding-DNA position 1084, G replaced by T.
Protein change: p.Ala362Ser; replaces alanine 362 with serine.
Molecular consequence: missense variant.
Genome position (GRCh38, 1-based): chr6:5,613,187, G>T. VCF-style: chr6-5613187-G-T. GRCh37 (hg19) VCF-style: chr6-5613420-G-T.
Other names: c.1084G>T, p.Ala362Ser (NM_001318872.2, NM_001374875.1, NM_001374876.1 and 4 more transcripts); c.952G>T, p.Ala318Ser (NM_001375258.1); c.388G>T, p.Ala130Ser (NM_001375259.1, NM_001375260.1); short protein forms A318S, A362S, A130S.
Identifiers: ClinVar variation 961763 (VCV000961763.9), dbSNP rs1775281586, ClinGen allele CA362736786.

ClinVar aggregate classification (germline): Uncertain significance (1 of 4 stars; one submission).

Conditions:
Combined oxidative phosphorylation defect type 14. Also called: Combined oxidative phosphorylation deficiency 14. Identifiers: Orphanet 319519, MedGen C4755312, MONDO:0013986, OMIM 614946.

Submission:

Labcorp Genetics (formerly Invitae), Labcorp
Classification: Uncertain significance for Combined oxidative phosphorylation defect type 14. Last evaluated: 2024-10-17. Review status: criteria provided, single submitter. Criteria: Invitae Variant Classification Sherloc (09022015). Collection method: clinical testing. Allele origin: germline.
Comment: This sequence change replaces alanine, which is neutral and non-polar, with serine, which is neutral and polar, at codon 362 of the FARS2 protein (p.Ala362Ser). This variant is not present in population databases (gnomAD no frequency). This variant has not been reported in the literature in individuals affected with FARS2-related conditions. ClinVar contains an entry for this variant (Variation ID: 961763). Invitae Evidence Modeling of protein sequence and biophysical properties (such as structural, functional, and spatial information, amino acid conservation, physicochemical variation, residue mobility, and thermodynamic stability) indicates that this missense variant is not expected to disrupt FARS2 protein function with a negative predictive value of 95%. In summary, the available evidence is currently insufficient to determine the role of this variant in disease. Therefore, it has been classified as a Variant of Uncertain Significance.